The following is an entry in ClinVar:

NM_001256789.3(CACNA1F):c.3387C>A (p.Phe1129Leu)

Gene: CACNA1F (calcium voltage-gated channel subunit alpha1 F; minus strand). Cytogenetic location: Xp11.23.
Variant type: single nucleotide variant.
Coding change: c.3387C>A on transcript NM_001256789.3 (MANE Select); coding-DNA position 3387, C replaced by A.
Protein change: p.Phe1129Leu; replaces phenylalanine 1129 with leucine.
Molecular consequence: missense variant.
Genome position (GRCh38, 1-based): chrX:49,215,393, G>T on the plus strand (C>A on the coding strand, the complement: CACNA1F is on the minus strand). VCF-style: chrX-49215393-G-T. GRCh37 (hg19) VCF-style: chrX-49071853-G-T.
Other names: c.3225C>A, p.Phe1075Leu (NM_001256790.3); c.3420C>A, p.Phe1140Leu (NM_005183.4); short protein forms F1075L, F1129L, F1140L.
Identifiers: ClinVar variation 2660519 (VCV002660519.24), dbSNP rs1557107140, ClinGen allele CA412963495.

ClinVar aggregate classification (germline): Uncertain significance (1 of 4 stars; one submission).

Submission:

CeGaT Center for Human Genetics Tuebingen
Classification: Uncertain significance. Last evaluated: 2023-07-01. Review status: criteria provided, single submitter. Criteria: CeGaT Center For Human Genetics Tuebingen Variant Classification Criteria Version 2. Collection method: clinical testing. Allele origin: germline. Affected: yes. Observed: 1 variant allele.
Comment: CACNA1F: PM2, PP3